The following is an entry in ClinVar:

ClinVar aggregate classification (germline): Pathogenic (1 of 4 stars; one submission).

Conditions:
Marfan syndrome (MFS). Also called: MARFAN SYNDROME, TYPE I; FBN1-Related Marfan Syndrome; Marfan syndrome, classic; Marfan syndrome type 1; Marfan's syndrome. Identifiers: Orphanet 284963, Orphanet 558, MedGen C0024796, MONDO:0007947, OMIM 154700.
Familial thoracic aortic aneurysm and aortic dissection (TAAD). Also called: Thoracic aortic aneurysms and dissections. Identifiers: Orphanet 91387, MedGen C4707243, MONDO:0019625.

Submission:

Labcorp Genetics (formerly Invitae), Labcorp
Classification: Pathogenic for Marfan syndrome; Familial thoracic aortic aneurysm and aortic dissection. Last evaluated: 2023-07-07. Review status: criteria provided, single submitter. Criteria: Invitae Variant Classification Sherloc (09022015). Collection method: clinical testing. Allele origin: germline.
Comment: For these reasons, this variant has been classified as Pathogenic. ClinVar contains an entry for this variant (Variation ID: 222625). This variant has not been reported in the literature in individuals affected with FBN1-related conditions. This variant is not present in population databases (gnomAD no frequency). This sequence change creates a premature translational stop signal (p.Ile1673Tyrfs*14) in the FBN1 gene. It is expected to result in an absent or disrupted protein product. Loss-of-function variants in FBN1 are known to be pathogenic (PMID: 17657824, 19293843).

Literature cited by the submitters: PubMed 17657824; PubMed 19293843.

NM_000138.5(FBN1):c.5016dup (p.Ile1673fs)

Gene: FBN1 (fibrillin 1; minus strand). Cytogenetic location: 15q21.1.
Variant type: Duplication.
Coding change: c.5016dup on transcript NM_000138.5 (MANE Select); coding-DNA position 5016, one base duplicated (T; older notation c.5016dupT).
Protein change: p.Ile1673fs; shifts the reading frame from isoleucine 1673.
Molecular consequence: frameshift variant.
Genome position (GRCh38, 1-based): chr15:48,463,948, A duplicated on the plus strand (T on the coding strand, the reverse complement: FBN1 is on the minus strand). VCF-style (leftmost placement, unchanged base first): chr15-48463947-T-TA. GRCh37 (hg19) VCF-style: chr15-48756144-T-TA.
Other names: short protein forms I1673fs.
Identifiers: ClinVar variation 222625 (VCV000222625.6), dbSNP rs869025426, ClinGen allele CA353693.